The following is an entry in ClinVar:

ClinVar aggregate classification (germline): Uncertain significance (1 of 4 stars; one submission).

Allele frequency attached by ClinVar (database versions not stated): gnomAD exomes below 0.00001.
gnomAD v4.1: 1 of 1,614,024 alleles (0.000062%); highest among the groups gnomAD compares: South Asian, 0.0011%; no homozygotes.

Submission:

Labcorp Genetics (formerly Invitae), Labcorp
Classification: Uncertain significance. Last evaluated: 2022-02-22. Review status: criteria provided, single submitter. Criteria: Invitae Variant Classification Sherloc (09022015). Collection method: clinical testing. Allele origin: germline.
Comment: This sequence change disrupts the translational stop signal of the POLR3A mRNA. It is expected to extend the length of the POLR3A protein by 9 additional amino acid residues. This variant is not present in population databases (gnomAD no frequency). This variant has not been reported in the literature in individuals affected with POLR3A-related conditions. In summary, the available evidence is currently insufficient to determine the role of this variant in disease. Therefore, it has been classified as a Variant of Uncertain Significance.

NM_007055.4(POLR3A):c.4171T>C (p.Ter1391Gln)

Gene: POLR3A (RNA polymerase III subunit A; minus strand). Cytogenetic location: 10q22.3.
Variant type: single nucleotide variant.
Coding change: c.4171T>C on transcript NM_007055.4 (MANE Select); coding-DNA position 4171, T replaced by C.
Protein change: p.Ter1391Gln.
Molecular consequence: stop lost.
Genome position (GRCh38, 1-based): chr10:77,977,480, A>G on the plus strand (T>C on the coding strand, the complement: POLR3A is on the minus strand). VCF-style: chr10-77977480-A-G. GRCh37 (hg19) VCF-style: chr10-79737238-A-G.
Identifiers: ClinVar variation 2102084 (VCV002102084.4), dbSNP rs2493177302, ClinGen allele CA377325597.